The following is an entry in ClinVar:

NM_001868.4(CPA1):c.1117A>C (p.Ile373Leu)

Gene: CPA1 (carboxypeptidase A1; plus strand). Cytogenetic location: 7q32.2.
Variant type: single nucleotide variant.
Coding change: c.1117A>C on transcript NM_001868.4 (MANE Select); coding-DNA position 1117, A replaced by C.
Protein change: p.Ile373Leu; replaces isoleucine 373 with leucine.
Molecular consequence: missense variant.
Genome position (GRCh38, 1-based): chr7:130,387,868, A>C. VCF-style: chr7-130387868-A-C. GRCh37 (hg19) VCF-style: chr7-130027709-A-C.
Other names: short protein forms I373L.
Identifiers: ClinVar variation 1720813 (VCV001720813.5), dbSNP rs2536015271, ClinGen allele CA369284271.

ClinVar aggregate classification (germline): Uncertain significance (1 of 4 stars; one submission).

Submission:

Labcorp Genetics (formerly Invitae), Labcorp
Classification: Uncertain significance. Last evaluated: 2022-10-23. Review status: criteria provided, single submitter. Criteria: Invitae Variant Classification Sherloc (09022015). Collection method: clinical testing. Allele origin: germline.
Comment: This sequence change replaces isoleucine, which is neutral and non-polar, with leucine, which is neutral and non-polar, at codon 373 of the CPA1 protein (p.Ile373Leu). This variant is not present in population databases (gnomAD no frequency). This variant has not been reported in the literature in individuals affected with CPA1-related conditions. Advanced modeling of protein sequence and biophysical properties (such as structural, functional, and spatial information, amino acid conservation, physicochemical variation, residue mobility, and thermodynamic stability) has been performed at Invitae for this missense variant, however the output from this modeling did not meet the statistical confidence thresholds required to predict the impact of this variant on CPA1 protein function. In summary, the available evidence is currently insufficient to determine the role of this variant in disease. Therefore, it has been classified as a Variant of Uncertain Significance.